The following is an entry in ClinVar:

NM_006073.4(TRDN):c.1313_1314delinsGC (p.Ile438Ser)

Gene: TRDN (triadin; minus strand). Cytogenetic location: 6q22.31.
Variant type: Indel.
Coding change: c.1313_1314delinsGC on transcript NM_006073.4 (MANE Select); coding-DNA positions 1313 to 1314, TT replaced by GC.
Protein change: p.Ile438Ser; replaces isoleucine 438 with serine.
Molecular consequence: missense variant.
Genome position (GRCh38, 1-based): chr6:123,366,142-123,366,143, AA replaced by GC on the plus strand (TT replaced by GC on the coding strand, the reverse complement: TRDN is on the minus strand). VCF-style: chr6-123366142-AA-GC. GRCh37 (hg19) VCF-style: chr6-123687287-AA-GC.
Other names: c.1316_1317delinsGC, p.Ile439Ser (NM_001251987.2); short protein forms I438S, I439S.
Identifiers: ClinVar variation 583235 (VCV000583235.6), dbSNP rs1562280050, ClinGen allele CA891842493.
Genomic context (GRCh38, chr6:123,366,142, plus strand): 5'-CTTAGCAGAAATAACTTATAGTTATGACATCTTTATCTTTAAGCTGCATTTACCTTTTTT[AA>GC]TTGAAACCGCACCAATCTCCTCTTTGGCTCGTTCAGTTTCTGCAAGTTCAGATATTAAAG-3'
Protein context (NP_006064.2, residues 428-448): RAKEEIGAVS[Ile438Ser]KKAVPGKKEE

ClinVar aggregate classification (germline): Uncertain significance (1 of 4 stars; one submission).

Conditions:
Catecholaminergic polymorphic ventricular tachycardia 1. Also called: VENTRICULAR TACHYCARDIA, CATECHOLAMINERGIC POLYMORPHIC, 1, WITH OR WITHOUT ATRIAL DYSFUNCTION AND/OR DILATED CARDIOMYOPATHY; RYR2-Related Catecholaminergic Polymorphic Ventricular Tachycardia; VENTRICULAR TACHYCARDIA, STRESS-INDUCED POLYMORPHIC 1. Identifiers: Orphanet 3286, MedGen C1631597, MONDO:0011484, OMIM 604772.

Submission:

Labcorp Genetics (formerly Invitae), Labcorp
Classification: Uncertain significance for Catecholaminergic polymorphic ventricular tachycardia 1. Last evaluated: 2018-05-01. Review status: criteria provided, single submitter. Criteria: Invitae Variant Classification Sherloc (09022015). Collection method: clinical testing. Allele origin: germline.
Comment: Algorithms developed to predict the effect of missense changes on protein structure and function output the following: SIFT: "Tolerated"; PolyPhen-2: "Benign"; Align-GVGD: "Class C0". The¬†isoleucine¬†amino acid residue is found in multiple mammalian species, suggesting that this missense change does not adversely affect protein function. These predictions have not been confirmed by published functional studies and their clinical significance is uncertain. This variant has not been reported in the literature in individuals with TRDN-related disease. This variant is not present in population databases (ExAC no frequency). This sequence change replaces isoleucine with serine at codon 438 of the TRDN protein (p.Ile438Ser). The¬†isoleucine¬†residue is weakly conserved and there is a large physicochemical difference between¬†isoleucine and serine. Algorithms developed to predict the effect of sequence changes on RNA splicing suggest that this variant may create or strengthen a splice site, but this prediction has not been confirmed by published transcriptional studies. In summary, the available evidence is currently insufficient to determine the role of this variant in disease. Therefore, it has been classified as a Variant of Uncertain Significance.